The following is an entry in ClinVar:

ClinVar aggregate classification (germline): Uncertain significance. Review status: criteria provided, multiple submitters, no conflicts (2 of 4 stars). 2 submissions from 2 submitters: Uncertain significance (2). Last evaluated 2024-06-19.

Conditions:
Intellectual disability, X-linked, with or without seizures, ARX-related. Also called: Mental retardation, X-linked 52; INTELLECTUAL DEVELOPMENTAL DISORDER, X-LINKED 29; MENTAL RETARDATION, X-LINKED 29; MENTAL RETARDATION, X-LINKED 32; MENTAL RETARDATION, X-LINKED 33; MENTAL RETARDATION, X-LINKED 38. Identifiers: Orphanet 777, MedGen C0796244, MONDO:0010317, OMIM 300419.
Developmental and epileptic encephalopathy, 1 (DEE1). Also called: X-linked infantile spasms; West's syndrome; Tonic spasms with clustering, arrest of psychomotor development and hypsarrhythmia on EEG; X-Linked Infantile Spasm Syndrome; OHTAHARA SYNDROME, X-LINKED; Epileptic encephalopathy, early infantile, 1. Identifiers: MedGen C3463992, MONDO:0010632, OMIM 308350. Disease mechanism: loss of function.

Allele frequency attached by ClinVar (database versions not stated): gnomAD exomes below 0.00001.
gnomAD v4.1: 1 of 1,161,005 alleles (0.000086%); highest among the groups gnomAD compares: Non-Finnish European, 0.00011%; no homozygotes.

Submissions (2):

Blueprint Genetics
Classification: Uncertain significance. Last evaluated: 2024-06-19. Review status: criteria provided, single submitter. Criteria: ACMG Guidelines, 2015. Collection method: clinical testing. Allele origin: germline.

Labcorp Genetics (formerly Invitae), Labcorp
Classification: Uncertain significance for Developmental and epileptic encephalopathy, 1; Intellectual disability, X-linked, with or without seizures, ARX-related. Last evaluated: 2022-12-16. Review status: criteria provided, single submitter. Criteria: Invitae Variant Classification Sherloc (09022015). Collection method: clinical testing. Allele origin: germline.
Comment: This sequence change replaces arginine, which is basic and polar, with histidine, which is basic and polar, at codon 257 of the ARX protein (p.Arg257His). This variant is not present in population databases (gnomAD no frequency). This variant has not been reported in the literature in individuals affected with ARX-related conditions. Advanced modeling of protein sequence and biophysical properties (such as structural, functional, and spatial information, amino acid conservation, physicochemical variation, residue mobility, and thermodynamic stability) performed at Invitae indicates that this missense variant is not expected to disrupt ARX protein function. In summary, the available evidence is currently insufficient to determine the role of this variant in disease. Therefore, it has been classified as a Variant of Uncertain Significance.

NM_139058.3(ARX):c.770G>A (p.Arg257His)

Gene: ARX (aristaless related homeobox; minus strand). Cytogenetic location: Xp21.3.
Variant type: single nucleotide variant.
Coding change: c.770G>A on transcript NM_139058.3 (MANE Select); coding-DNA position 770, G replaced by A.
Protein change: p.Arg257His; replaces arginine 257 with histidine.
Molecular consequence: missense variant.
Genome position (GRCh38, 1-based): chrX:25,013,225, C>T on the plus strand (G>A on the coding strand, the complement: ARX is on the minus strand). VCF-style: chrX-25013225-C-T. GRCh37 (hg19) VCF-style: chrX-25031342-C-T.
Other names: short protein forms R257H.
Identifiers: ClinVar variation 2939360 (VCV002939360.4), dbSNP rs1239494313, ClinGen allele CA412612459.